The following is an entry in ClinVar:

ClinVar aggregate classification (germline): Uncertain significance. Review status: criteria provided, multiple submitters, no conflicts (2 of 4 stars). 2 submissions from 2 submitters: Uncertain significance (2). Last evaluated 2023-06-06.

Conditions:
ACADL-related disorder. Also called: ACADL-related condition.

Allele frequency attached by ClinVar (database versions not stated): ExAC 0.00002; TOPMed 0.00002; gnomAD 0.00003; gnomAD exomes 0.00004.
gnomAD v4.1: 58 of 1,613,730 alleles (0.0036%); highest among the groups gnomAD compares: Non-Finnish European, 0.0043%; no homozygotes.

Submissions (2):

Ambry Genetics
Classification: Uncertain significance. Last evaluated: 2023-06-06. Review status: criteria provided, single submitter. Criteria: Ambry Variant Classification Scheme 2023. Collection method: clinical testing. Allele origin: germline.

PreventionGenetics, part of Exact Sciences
Classification: Uncertain significance for ACADL-related condition. Last evaluated: 2023-05-17. Review status: criteria provided, single submitter. Criteria: ACMG Guidelines, 2015. Collection method: clinical testing. Allele origin: germline.
Comment: The ACADL c.508A>G variant is predicted to result in the amino acid substitution p.Ile170Val. To our knowledge, this variant has not been reported in the literature. This variant is reported in 0.019% of alleles in individuals of Ashkenazi Jewish descent in gnomAD. At this time, the clinical significance of this variant is uncertain due to the absence of conclusive functional and genetic evidence.

NM_001608.4(ACADL):c.508A>G (p.Ile170Val)

Gene: ACADL (acyl-CoA dehydrogenase long chain; minus strand). Cytogenetic location: 2q34.
Variant type: single nucleotide variant.
Coding change: c.508A>G on transcript NM_001608.4 (MANE Select); coding-DNA position 508, A replaced by G.
Protein change: p.Ile170Val; replaces isoleucine 170 with valine.
Molecular consequence: missense variant.
Genome position (GRCh38, 1-based): chr2:210,216,375, T>C on the plus strand (A>G on the coding strand, the complement: ACADL is on the minus strand). VCF-style: chr2-210216375-T-C. GRCh37 (hg19) VCF-style: chr2-211081099-T-C.
Other names: short protein forms I170V.
Identifiers: ClinVar variation 2557629 (VCV002557629.3), dbSNP rs768577146, ClinGen allele CA2085011.